The following is an entry in ClinVar:

NM_000170.3(GLDC):c.2098C>G (p.Pro700Ala)

Gene: GLDC (glycine decarboxylase; minus strand). Cytogenetic location: 9p24.1.
Variant type: single nucleotide variant.
Coding change: c.2098C>G on transcript NM_000170.3 (MANE Select); coding-DNA position 2098, C replaced by G.
Protein change: p.Pro700Ala; replaces proline 700 with alanine.
Molecular consequence: missense variant.
Genome position (GRCh38, 1-based): chr9:6,556,257, G>C on the plus strand (C>G on the coding strand, the complement: GLDC is on the minus strand). VCF-style: chr9-6556257-G-C. GRCh37 (hg19) VCF-style: chr9-6556257-G-C.
Other names: short protein forms P700A.
Identifiers: ClinVar variation 56058 (VCV000056058.2), dbSNP rs386833539, ClinGen allele CA263331.
Genomic context (GRCh38, chr9:6,556,257, plus strand): 5'-GTTGATGGATGAGGTCACACACGTCACTGATGTTCTCTTCAAACACCCCATTGGTGGATG[G>C]GTATGTAATCATGATAGCTGCTAGGTTCTCCTTGTGCTTATCCACCTGTGAAAGAAAAGG-3'
Protein context (NP_000161.2, residues 690-710): ENLAAIMITY[Pro700Ala]STNGVFEENI

ClinVar aggregate classification (germline): Likely pathogenic (0 of 4 stars; one submission).

Conditions:
Glycine encephalopathy. Also called: Nonketotic hyperglycinemia; Non-ketotic hyperglycinemia. Identifiers: Orphanet 407, MedGen C0751748, MONDO:0011612, HP:0008288.

gnomAD v4.1: 1 of 1,612,848 alleles (0.000062%); highest among the groups gnomAD compares: Non-Finnish European, 0.000085%; no homozygotes.

Submission:

Juha Muilu Group; Institute for Molecular Medicine Finland (FIMM)
Classification: Likely pathogenic for Non-ketotic hyperglycinemia. Review status: no assertion criteria provided. Collection method: not provided. Allele origin: unknown.
Comment: FinDis database variant: This variant was not found or characterized by our laboratory, data were collected from public sources: see reference
ClinVar note: Converted during submission from probable-pathogenic to Likely pathogenic.